The following is an entry in ClinVar:

ClinVar aggregate classification (germline): Benign. Review status: criteria provided, multiple submitters, no conflicts (2 of 4 stars). 5 submissions from 5 submitters: Benign (5). Last evaluated 2026-02-03.

Allele frequency attached by ClinVar (database versions not stated): 1000 Genomes Project 30x 0.00750; 1000 Genomes Project 0.00799; ExAC 0.01615; gnomAD exomes 0.01650; TOPMed 0.01693; gnomAD 0.01719 and 0.01752; ESP Exome Variant Server 0.01976.
gnomAD v4.1: 38,388 of 1,613,118 alleles (2.4%); highest among the groups gnomAD compares: Non-Finnish European, 2.9%; 589 homozygotes.

Submissions (5):

Labcorp Genetics (formerly Invitae), Labcorp
Classification: Benign. Last evaluated: 2026-02-03. Review status: criteria provided, single submitter. Criteria: Invitae Variant Classification Sherloc (09022015). Collection method: clinical testing. Allele origin: germline.

Mayo Clinic Laboratories, Mayo Clinic
Classification: Benign. Last evaluated: 2024-11-26. Review status: criteria provided, single submitter. Criteria: ACMG Guidelines, 2015. Collection method: clinical testing. Allele origin: germline. Observed: 5 variant alleles.
Comment: BA1, BS2

Athena Diagnostics
Classification: Benign. Last evaluated: 2018-09-14. Review status: criteria provided, single submitter. Criteria: Athena Diagnostics Criteria. Collection method: clinical testing. Allele origin: germline.

GeneDx
Classification: Benign. Last evaluated: 2018-06-25. Review status: criteria provided, single submitter. Criteria: GeneDx Variant Classification Process June 2021. Collection method: clinical testing. Allele origin: germline. Affected: yes.

Laboratory for Molecular Medicine, Mass General Brigham Personalized Medicine
Classification: Benign. Last evaluated: 2017-08-23. Review status: criteria provided, single submitter. Criteria: LMM Criteria. Collection method: clinical testing. Allele origin: germline. Observed: 15 variant alleles.
Comment: p.Pro257His in exon 3 of CLIC5: This variant is not expected to have clinical si gnificance because it has been identified in 2.46% (1639/66532) of European chro mosomes by the Exome Aggregation Consortium (ExAC, g; dbSNP rs35822882).

NM_016929.5(CLIC5):c.293C>A (p.Pro98His)

Gene: CLIC5 (chloride intracellular channel 5; minus strand). Cytogenetic location: 6p21.1.
Variant type: single nucleotide variant.
Coding change: c.293C>A on transcript NM_016929.5 (MANE Select); coding-DNA position 293, C replaced by A.
Protein change: p.Pro98His; replaces proline 98 with histidine.
Molecular consequence: missense variant.
Genome position (GRCh38, 1-based): chr6:45,949,262, G>T on the plus strand (C>A on the coding strand, the complement: CLIC5 is on the minus strand). VCF-style: chr6-45949262-G-T. GRCh37 (hg19) VCF-style: chr6-45916999-G-T.
Other names: p.Pro98His; c.770C>A, p.Pro257His (NM_001114086.2, NM_001370650.1); c.293C>A, p.Pro98His (NM_001256023.2); c.176C>A, p.Pro59His (NM_001370649.1); short protein forms P257H, P59H, P98H.
Identifiers: ClinVar variation 508707 (VCV000508707.15), dbSNP rs35822882, ClinGen allele CA3836854.